The following is an entry in ClinVar:

NM_001040108.2(MLH3):c.2838C>A (p.Ser946=)

Gene: MLH3 (mutL homolog 3; minus strand). Cytogenetic location: 14q24.3.
Variant type: single nucleotide variant.
Coding change: c.2838C>A on transcript NM_001040108.2 (MANE Select); coding-DNA position 2838, C replaced by A.
Protein change: p.Ser946=; no amino-acid change (serine 946 retained).
Molecular consequence: synonymous variant.
Genome position (GRCh38, 1-based): chr14:75,046,818, G>T on the plus strand (C>A on the coding strand, the complement: MLH3 is on the minus strand). VCF-style: chr14-75046818-G-T. GRCh37 (hg19) VCF-style: chr14-75513521-G-T.
Other names: c.2838C>A, p.Ser946= (NM_014381.3).
Identifiers: ClinVar variation 314381 (VCV000314381.23), dbSNP rs181990057, ClinGen allele CA7275631.

ClinVar aggregate classification (germline): Conflicting classifications of pathogenicity. Review status: criteria provided, conflicting classifications (1 of 4 stars). 6 submissions from 6 submitters: Uncertain significance (1); Benign (3); Likely benign (2). Last evaluated 2026-05-05.

Conditions:
Colorectal cancer, hereditary nonpolyposis, type 7. Identifiers: Orphanet 144, MedGen C1858380, MONDO:0013725, OMIM 614385.

Allele frequency attached by ClinVar (database versions not stated): TOPMed 0.00011; ESP Exome Variant Server 0.00015; 1000 Genomes Project 30x 0.00016; 1000 Genomes Project 0.00020; gnomAD exomes 0.00039 and 0.00100; gnomAD 0.00069 and 0.00073; ExAC 0.00101.
gnomAD v4.1: 681 of 1,614,134 alleles (0.042%); highest among the groups gnomAD compares: Non-Finnish European, 0.014%; 3 homozygotes.

Submissions (6):

Myriad Genetics, Inc.
Classification: Benign for Colorectal cancer, hereditary nonpolyposis, type 7. Last evaluated: 2026-05-05. Review status: criteria provided, single submitter. Criteria: Myriad Autosomal Dominant, Autosomal Recessive and X-Linked Classification Criteria (2023). Collection method: clinical testing. Allele origin: unknown.
Comment: This variant is considered benign. This variant is a silent/synonymous amino acid change and it is not expected to impact splicing.

Labcorp Genetics (formerly Invitae), Labcorp
Classification: Benign for Colorectal cancer, hereditary nonpolyposis, type 7. Last evaluated: 2025-12-28. Review status: criteria provided, single submitter. Criteria: Invitae Variant Classification Sherloc (09022015). Collection method: clinical testing. Allele origin: germline.

Center for Genomic Medicine, Rigshospitalet, Copenhagen University Hospital
Classification: Likely benign. Last evaluated: 2025-03-04. Review status: criteria provided, single submitter. Criteria: ACMG Guidelines, 2015. Collection method: clinical testing. Allele origin: germline.

Blueprint Genetics
Classification: Likely benign. Last evaluated: 2024-10-04. Review status: criteria provided, single submitter. Criteria: ACMG Guidelines, 2015. Collection method: clinical testing. Allele origin: germline.

Ambry Genetics
Classification: Benign. Last evaluated: 2021-09-15. Review status: criteria provided, single submitter. Criteria: Ambry Variant Classification Scheme 2023. Collection method: clinical testing. Allele origin: germline.

Illumina Laboratory Services, Illumina
Classification: Uncertain significance for Colorectal cancer, hereditary nonpolyposis, type 7. Last evaluated: 2018-01-13. Review status: criteria provided, single submitter. Criteria: ICSL Variant Classification Criteria 13 December 2019. Collection method: clinical testing. Allele origin: germline.